The following is an entry in ClinVar:

ClinVar aggregate classification (germline): Uncertain significance (1 of 4 stars; one submission).

Conditions:
Familial thoracic aortic aneurysm and aortic dissection (TAAD). Also called: Thoracic aortic aneurysms and dissections. Identifiers: Orphanet 91387, MedGen C4707243, MONDO:0019625.

Submission:

Color Diagnostics, LLC DBA Color Health
Classification: Uncertain significance for Familial thoracic aortic aneurysm and aortic dissection. Last evaluated: 2025-05-31. Review status: criteria provided, single submitter. Criteria: ACMG Guidelines, 2015. Collection method: clinical testing. Allele origin: germline.
Comment: This missense variant replaces valine with phenylalanine at codon 1460 of the COL3A1 protein. Computational prediction is inconclusive regarding the impact of this variant on protein structure and function. To our knowledge, functional studies have not been reported for this variant. This variant has not been reported in individuals affected with COL3A1-related disorders in the literature. This variant has not been identified in the general population by the Genome Aggregation Database (gnomAD). The available evidence is insufficient to determine the role of this variant in disease conclusively. Therefore, this variant is classified as a Variant of Uncertain Significance.

NM_000090.4(COL3A1):c.4378G>T (p.Val1460Phe)

Gene: COL3A1 (collagen type III alpha 1 chain; plus strand). Cytogenetic location: 2q32.2.
Variant type: single nucleotide variant.
Coding change: c.4378G>T on transcript NM_000090.4 (MANE Select); coding-DNA position 4378, G replaced by T.
Protein change: p.Val1460Phe; replaces valine 1460 with phenylalanine.
Molecular consequence: missense variant.
Genome position (GRCh38, 1-based): chr2:189,011,751, G>T. VCF-style: chr2-189011751-G-T. GRCh37 (hg19) VCF-style: chr2-189876477-G-T.
Other names: short protein forms V1460F.
Identifiers: ClinVar variation 4758362 (VCV004758362.1).
Genomic context (GRCh38, chr2:189,011,751, plus strand): 5'-CCTATTGTAGATATTGCACCCTATGACATTGGTGGTCCTGATCAAGAATTTGGTGTGGAC[G>T]TTGGCCCTGTTTGCTTTTTATAAACCAAACTCTATCTGAAATCCCAACAAAAAAAATTTA-3'
Protein context (NP_000081.2, residues 1450-1466): GGPDQEFGVD[Val1460Phe]GPVCFL